The following is an entry in ClinVar:

ClinVar aggregate classification (germline): Uncertain significance (1 of 4 stars; one submission).

Conditions:
Arrhythmogenic cardiomyopathy with wooly hair and keratoderma. Also called: PALMOPLANTAR KERATODERMA WITH LEFT VENTRICULAR CARDIOMYOPATHY AND WOOLLY HAIR; Carvajal syndrome; Dilated cardiomyopathy with woolly hair and keratoderma; Arrhythmogenic cardiomyopathy with woolly hair and keratoderma. Identifiers: Orphanet 65282, MedGen C1854063, MONDO:0011581, OMIM 605676.

Submission:

All of Us Research Program, National Institutes of Health
Classification: Uncertain significance for Arrhythmogenic cardiomyopathy with wooly hair and keratoderma. Last evaluated: 2023-06-26. Review status: criteria provided, single submitter. Criteria: ACMG Guidelines, 2015. Collection method: clinical testing. Allele origin: germline. Inheritance: Autosomal dominant inheritance. Observed: 1 variant allele, 1 heterozygote.
Comment: This variant is located in the DSP protein. To our knowledge, functional studies have not been reported for this variant. This variant has not been reported in individuals affected with DSP-related disorders in the literature. This variant has not been identified in the general population by the Genome Aggregation Database (gnomAD). The available evidence is insufficient to determine the role of this variant in disease conclusively. Therefore, this variant is classified as a Variant of Uncertain Significance.

This study involves interpretation of variants in research participants for the purpose of population health screening. Participant phenotype was not available at the time of variant classification. Additional details can be found in publication PMID: 35346344, PMCID: PMC8962531

NM_004415.4(DSP):c.6513C>T (p.Asn2171=)

Gene: DSP (desmoplakin; plus strand). Cytogenetic location: 6p24.3.
Variant type: single nucleotide variant.
Coding change: c.6513C>T on transcript NM_004415.4 (MANE Select); coding-DNA position 6513, C replaced by T.
Protein change: p.Asn2171=; no amino-acid change (asparagine 2171 retained).
Molecular consequence: synonymous variant.
Genome position (GRCh38, 1-based): chr6:7,583,775, C>T. VCF-style: chr6-7583775-C-T. GRCh37 (hg19) VCF-style: chr6-7584008-C-T.
Other names: c.4716C>T, p.Asn1572= (NM_001008844.3); c.5184C>T, p.Asn1728= (NM_001319034.2).
Identifiers: ClinVar variation 3072200 (VCV003072200.1), dbSNP rs1415731825, ClinGen allele CA448715815.